The following is an entry in ClinVar:

NM_015629.4(PRPF31):c.528-39_531del

Gene: PRPF31 (pre-mRNA processing factor 31; plus strand). Cytogenetic location: 19q13.42.
Variant type: Deletion.
Coding change: c.528-39_531del on transcript NM_015629.4 (MANE Select); 39 bases into the intron before coding-DNA position 528 through coding-DNA position 531, 43 bases deleted.
Molecular consequence: splice acceptor variant.
Genome position (GRCh38, 1-based): chr19:54,123,710-54,123,752, 43 bases deleted; deleting any 43 consecutive bases within chr19:54,123,703-54,123,752 gives the same sequence; the c. name uses the placement nearest the transcript's 3' end. GRCh37 (hg19): chr19:54,627,089-54,627,131.
Other names: c.528-45_528-3del (NM_015629.4).
Identifiers: ClinVar variation 1456317 (VCV001456317.13), dbSNP rs2146420160, ClinGen allele CA2573156805.

ClinVar aggregate classification (germline): Pathogenic/Likely pathogenic. Review status: criteria provided, multiple submitters, no conflicts (2 of 4 stars). 6 submissions from 6 submitters: Pathogenic (4); Likely pathogenic (1). 1 of the submissions does not count toward it. Last evaluated 2026-09-16.

Conditions:
Retinal disorder. Also called: Retinopathy; Retinopathies; Retinal Diseases; Retinal disorders. Identifiers: MedGen C0035309, MONDO:0005283, HP:0000488.
Retinal dystrophy. Also called: Inherited retinal dystrophy. Identifiers: Orphanet 71862, MedGen C0854723, MeSH D058499, MONDO:0019118, HP:0000556.
Retinitis pigmentosa 11 (RP11). Identifiers: Orphanet 791, MedGen C1838601, MONDO:0010828, OMIM 600138.
PRPF31-related disorder. Also called: PRPF31-related condition.

Submissions (6):

Genetics Laboratory, Great Ormond Street Hospital NHS Foundation Trust, North Thames Genomic Laboratory Hub
Classification: Pathogenic for Retinal disorders. Last evaluated: 2026-09-16. Review status: criteria provided, single submitter. Criteria: ACGS Best Practice Guidelines for Variant Classification in Rare Disease 2024 v1.2. Collection method: clinical testing. Allele origin: germline. Affected: yes.
Comment: PS4_moderate, PM2_moderate, PVS1_very-strong

Institute of Medical Genetics and Applied Genomics, University Hospital Tübingen
Classification: Likely pathogenic for Retinitis pigmentosa 11. Last evaluated: 2026-08-14. Review status: criteria provided, single submitter. Criteria: ACMG Guidelines, 2015. Collection method: clinical testing. Allele origin: germline. Inheritance: Autosomal dominant inheritance. Affected: yes.

Labcorp Genetics (formerly Invitae), Labcorp
Classification: Pathogenic. Last evaluated: 2025-11-20. Review status: criteria provided, single submitter. Criteria: Invitae Variant Classification Sherloc (09022015). Collection method: clinical testing. Allele origin: germline.
Comment: This sequence change falls in intron 6 of the PRPF31 gene. It does not directly change the encoded amino acid sequence of the PRPF31 protein. This variant is not present in population databases (gnomAD no frequency). This variant has been observed in individuals with retinitis pigmentosa (PMID: 11545739, 36819107; internal data). It has also been observed to segregate with disease in related individuals. This variant is also known as "IVS6-3 to -45 del" and "c.528-39_531del". ClinVar contains an entry for this variant (Variation ID: 1456317). For these reasons, this variant has been classified as Pathogenic.

Blueprint Genetics
Classification: Pathogenic for PRPF31-related disorders. Last evaluated: 2024-02-02. Review status: criteria provided, single submitter. Criteria: ACMG Guidelines, 2015. Collection method: clinical testing. Allele origin: germline. Affected: yes. Observed: 5 variant alleles.

Institute of Human Genetics, Univ. Regensburg, Univ. Regensburg
Classification: Pathogenic for Retinal dystrophy. Last evaluated: 2023-01-01. Review status: criteria provided, single submitter. Criteria: ACMG Guidelines, 2015. Collection method: clinical testing. Allele origin: germline. Affected: yes.

OMIM
Classification: Pathogenic for RETINITIS PIGMENTOSA 11. Last evaluated: 2001-08-01. Review status: no assertion criteria provided. Collection method: literature only. Allele origin: germline. Not counted in ClinVar's aggregate classification.

Literature cited by the submitters: PubMed 11545739 (cited by 3 submitters); PubMed 36819107 (cited by Labcorp Genetics (formerly Invitae), Labcorp and Institute of Human Genetics, Univ. Regensburg, Univ. Regensburg); PubMed 23950152 (cited by Institute of Human Genetics, Univ. Regensburg, Univ. Regensburg).